The following is an entry in ClinVar:

ClinVar aggregate classification (germline): Likely benign. Review status: criteria provided, multiple submitters, no conflicts (2 of 4 stars). 2 submissions from 2 submitters: Likely benign (2). Last evaluated 2025-01-01.

Allele frequency attached by ClinVar (database versions not stated): gnomAD 0.00001; gnomAD exomes 0.00001; TOPMed 0.00001; ExAC 0.00002; ESP Exome Variant Server 0.00015.
gnomAD v4.1: 26 of 1,613,954 alleles (0.0016%); highest among the groups gnomAD compares: East Asian, 0.0045%; no homozygotes.

Submissions (2):

CeGaT Center for Human Genetics Tuebingen
Classification: Likely benign. Last evaluated: 2025-01-01. Review status: criteria provided, single submitter. Criteria: CeGaT Center For Human Genetics Tuebingen Variant Classification Criteria Version 2. Collection method: clinical testing. Allele origin: germline. Affected: yes. Observed: 1 variant allele.
Comment: AAAS: BP4, BP7

Labcorp Genetics (formerly Invitae), Labcorp
Classification: Likely benign. Last evaluated: 2023-12-30. Review status: criteria provided, single submitter. Criteria: Invitae Variant Classification Sherloc (09022015). Collection method: clinical testing. Allele origin: germline.

NM_015665.6(AAAS):c.408C>T (p.Ser136=)

Gene: AAAS (aladin WD repeat nucleoporin; minus strand). Cytogenetic location: 12q13.13.
Variant type: single nucleotide variant.
Coding change: c.408C>T on transcript NM_015665.6 (MANE Select); coding-DNA position 408, C replaced by T.
Protein change: p.Ser136=; no amino-acid change (serine 136 retained).
Molecular consequence: synonymous variant.
Genome position (GRCh38, 1-based): chr12:53,315,132, G>A on the plus strand (C>T on the coding strand, the complement: AAAS is on the minus strand). VCF-style: chr12-53315132-G-A. GRCh37 (hg19) VCF-style: chr12-53708916-G-A.
Other names: c.408C>T, p.Ser136= (NM_001173466.2).
Identifiers: ClinVar variation 3013650 (VCV003013650.16), dbSNP rs369423425, ClinGen allele CA6599206.